The following is an entry in ClinVar:

NM_020719.3(PRR12):c.5778G>A (p.Pro1926=)

Gene: PRR12 (proline rich 12; plus strand). Cytogenetic location: 19q13.33.
Variant type: single nucleotide variant.
Coding change: c.5778G>A on transcript NM_020719.3 (MANE Select); coding-DNA position 5778, G replaced by A.
Protein change: p.Pro1926=; no amino-acid change (proline 1926 retained).
Molecular consequence: synonymous variant.
Genome position (GRCh38, 1-based): chr19:49,624,900, G>A. VCF-style: chr19-49624900-G-A. GRCh37 (hg19) VCF-style: chr19-50128157-G-A.
Identifiers: ClinVar variation 4981136 (VCV004981136.1).

ClinVar aggregate classification (germline): Likely benign (1 of 4 stars; one submission).

Conditions:
PRR12-related disorder. Also called: PRR12-related condition.

gnomAD v4.1: 288 of 1,609,696 alleles (0.018%); highest among the groups gnomAD compares: African/African-American, 0.33%; no homozygotes.

Submission:

PreventionGenetics, part of Exact Sciences
Classification: Likely benign for PRR12-related condition. Last evaluated: 2025-10-01. Review status: criteria provided, single submitter. Criteria: ACMG Guidelines, 2015. Collection method: clinical testing. Allele origin: germline.
Comment: This variant is classified as likely benign based on ACMG/AMP sequence variant interpretation guidelines (Richards et al. 2015 PMID: 25741868, with internal and published modifications).